The following is an entry in ClinVar:

ClinVar aggregate classification (germline): Likely benign (1 of 4 stars; one submission).

gnomAD v4.1: 1 of 1,612,958 alleles (0.000062%); highest among the groups gnomAD compares: South Asian, 0.0011%; no homozygotes.

Submission:

CeGaT Center for Human Genetics Tuebingen
Classification: Likely benign. Last evaluated: 2025-05-01. Review status: criteria provided, single submitter. Criteria: CeGaT Center For Human Genetics Tuebingen Variant Classification Criteria Version 2. Collection method: clinical testing. Allele origin: germline. Affected: yes. Observed: 1 variant allele.
Comment: NPM1: BP4, BP7

NM_002520.7(NPM1):c.42C>T (p.Pro14=)

Gene: NPM1 (nucleophosmin 1; plus strand). Cytogenetic location: 5q35.1.
Variant type: single nucleotide variant.
Coding change: c.42C>T on transcript NM_002520.7 (MANE Select); coding-DNA position 42, C replaced by T.
Protein change: p.Pro14=; no amino-acid change (proline 14 retained).
Molecular consequence: synonymous variant. On other transcripts: 5 prime UTR variant (1), non-coding transcript variant (1).
Genome position (GRCh38, 1-based): chr5:171,387,990, C>T. VCF-style: chr5-171387990-C-T. GRCh37 (hg19) VCF-style: chr5-170814994-C-T.
Other names: c.42C>T, p.Pro14= (NM_001037738.3, NM_001355006.2, NM_001355009.2 and 2 more transcripts); c.-71C>T (NM_001355007.2).
Identifiers: ClinVar variation 3905545 (VCV003905545.10).